The following is an entry in ClinVar:

NM_001105659.2(LRRIQ3):c.679C>T (p.Arg227Cys)

Gene: LRRIQ3 (leucine rich repeats and IQ motif containing 3; minus strand). Cytogenetic location: 1p31.1.
Variant type: single nucleotide variant.
Coding change: c.679C>T on transcript NM_001105659.2 (MANE Select); coding-DNA position 679, C replaced by T.
Protein change: p.Arg227Cys; replaces arginine 227 with cysteine.
Molecular consequence: missense variant.
Genome position (GRCh38, 1-based): chr1:74,155,761, G>A on the plus strand (C>T on the coding strand, the complement: LRRIQ3 is on the minus strand). VCF-style: chr1-74155761-G-A. GRCh37 (hg19) VCF-style: chr1-74621445-G-A.
Other names: c.679C>T, p.Arg227Cys (NM_001322315.2); short protein forms R227C.
Identifiers: ClinVar variation 3234210 (VCV003234210.20), dbSNP rs199536965, ClinGen allele CA907998.

ClinVar aggregate classification (germline): Likely benign (1 of 4 stars; one submission).

Allele frequency attached by ClinVar (database versions not stated): 1000 Genomes Project 30x 0.00031; 1000 Genomes Project 0.00040; ESP Exome Variant Server 0.00060; gnomAD 0.00067; ExAC 0.00068.

Submission:

CeGaT Center for Human Genetics Tuebingen
Classification: Likely benign. Last evaluated: 2024-04-01. Review status: criteria provided, single submitter. Criteria: CeGaT Center For Human Genetics Tuebingen Variant Classification Criteria Version 2. Collection method: clinical testing. Allele origin: germline. Affected: yes. Observed: 1 variant allele.
Comment: LRRIQ3: BP4